The following is an entry in ClinVar:

ClinVar aggregate classification (germline): Uncertain significance (1 of 4 stars; one submission).

Allele frequency attached by ClinVar (database versions not stated): gnomAD exomes below 0.00001.
gnomAD v4.1: 4 of 1,614,216 alleles (0.00025%); highest among the groups gnomAD compares: Middle Eastern, 0.016%; no homozygotes.

Submission:

Labcorp Genetics (formerly Invitae), Labcorp
Classification: Uncertain significance. Last evaluated: 2021-05-09. Review status: criteria provided, single submitter. Criteria: Invitae Variant Classification Sherloc (09022015). Collection method: clinical testing. Allele origin: germline.
Comment: This sequence change replaces asparagine with serine at codon 504 of the ANXA11 protein (p.Asn504Ser). The asparagine residue is highly conserved and there is a small physicochemical difference between asparagine and serine. In summary, the available evidence is currently insufficient to determine the role of this variant in disease. Therefore, it has been classified as a Variant of Uncertain Significance. Algorithms developed to predict the effect of missense changes on protein structure and function (SIFT, PolyPhen-2, Align-GVGD) all suggest that this variant is likely to be tolerated, but these predictions have not been confirmed by published functional studies and their clinical significance is uncertain. This variant has not been reported in the literature in individuals with ANXA11-related conditions. This variant is not present in population databases (ExAC no frequency).

NM_145868.2(ANXA11):c.1511A>G (p.Asn504Ser)

Gene: ANXA11 (annexin A11; minus strand). Cytogenetic location: 10q22.3.
Variant type: single nucleotide variant.
Coding change: c.1511A>G on transcript NM_145868.2 (MANE Select); coding-DNA position 1511, A replaced by G.
Protein change: p.Asn504Ser; replaces asparagine 504 with serine.
Molecular consequence: missense variant.
Genome position (GRCh38, 1-based): chr10:80,155,860, T>C on the plus strand (A>G on the coding strand, the complement: ANXA11 is on the minus strand). VCF-style: chr10-80155860-T-C. GRCh37 (hg19) VCF-style: chr10-81915616-T-C.
Other names: c.1511A>G, p.Asn504Ser (NM_001157.3, NM_001278407.2, NM_001278408.2 and 1 more transcripts); c.1412A>G, p.Asn471Ser (NM_001278409.2); short protein forms N504S, N471S.
Identifiers: ClinVar variation 1437809 (VCV001437809.8), dbSNP rs2132352063, ClinGen allele CA377363272.
Genomic context (GRCh38, chr10:80,155,860, plus strand): 5'-TCCTGGCACTGGTGTTGCCGGCAGGTGGGCAGAAGTGAGCCACCAGTCACTGTTCAGTCA[T>C]TGCCACCACAGATCTTCAGCAGAATCTTCCGGTAATCCCCTGAAGTATCTCCCTGGCCAC-3'
Protein context (NP_665875.1, residues 494-505): RKILLKICGG[Asn504Ser]D